The following is an entry in ClinVar:

ClinVar aggregate classification (germline): Uncertain significance (1 of 4 stars; one submission).

Conditions:
Congenital sideroblastic anemia-B-cell immunodeficiency-periodic fever-developmental delay syndrome. Also called: Sideroblastic anemia with B-cell immunodeficiency, periodic fevers, and developmental delay. Identifiers: Orphanet 369861, MedGen C4015172, MONDO:0014487, OMIM 616084.

Submission:

Labcorp Genetics (formerly Invitae), Labcorp
Classification: Uncertain significance for Congenital sideroblastic anemia-B-cell immunodeficiency-periodic fever-developmental delay syndrome. Last evaluated: 2020-09-24. Review status: criteria provided, single submitter. Criteria: Invitae Variant Classification Sherloc (09022015). Collection method: clinical testing. Allele origin: germline.
Comment: In summary, the available evidence is currently insufficient to determine the role of this variant in disease. Therefore, it has been classified as a Variant of Uncertain Significance. Algorithms developed to predict the effect of missense changes on protein structure and function (SIFT, PolyPhen-2, Align-GVGD) all suggest that this variant is likely to be tolerated, but these predictions have not been confirmed by published functional studies and their clinical significance is uncertain. This variant has not been reported in the literature in individuals with TRNT1-related conditions. This variant is not present in population databases (ExAC no frequency). This sequence change replaces lysine with glutamic acid at codon 395 of the TRNT1 protein (p.Lys395Glu). The lysine residue is moderately conserved and there is a small physicochemical difference between lysine and glutamic acid.

NM_182916.3(TRNT1):c.1183A>G (p.Lys395Glu)

Gene: TRNT1 (tRNA nucleotidyl transferase 1; plus strand). Cytogenetic location: 3p26.2.
Variant type: single nucleotide variant.
Coding change: c.1183A>G on transcript NM_182916.3 (MANE Select); coding-DNA position 1183, A replaced by G.
Protein change: p.Lys395Glu; replaces lysine 395 with glutamic acid.
Molecular consequence: missense variant. On other transcripts: non-coding transcript variant (8).
Genome position (GRCh38, 1-based): chr3:3,148,032, A>G. VCF-style: chr3-3148032-A-G. GRCh37 (hg19) VCF-style: chr3-3189716-A-G.
Other names: c.1123A>G, p.Lys375Glu (NM_001302946.2); c.1183A>G, p.Lys395Glu (NM_001367321.1, NM_001367322.1, NM_001367323.1); short protein forms K375E, K395E.
Identifiers: ClinVar variation 1063018 (VCV001063018.5), dbSNP rs2126038239, ClinGen allele CA351448986.